The following is an entry in ClinVar:

NM_000152.5(GAA):c.806_830del (p.Leu269fs)

Gene: GAA (alpha glucosidase; plus strand). Cytogenetic location: 17q25.3.
Variant type: Deletion.
Coding change: c.806_830del on transcript NM_000152.5 (MANE Select); coding-DNA positions 806 to 830, 25 bases deleted (TCAGCACCAGCTGGACCAGGATCAC).
Protein change: p.Leu269fs; shifts the reading frame from leucine 269.
Molecular consequence: frameshift variant.
Genome position (GRCh38, 1-based): chr17:80,107,670-80,107,694, TCAGCACCAGCTGGACCAGGATCAC deleted; deleting any 25 consecutive bases within chr17:80,107,669-80,107,694 gives the same sequence; the c. name uses the placement nearest the transcript's 3' end. VCF-style (leftmost placement, unchanged base first): chr17-80107668-GCTCAGCACCAGCTGGACCAGGATCA-G. GRCh37 (hg19) VCF-style: chr17-78081467-GCTCAGCACCAGCTGGACCAGGATCA-G.
Other names: c.806_830del (LRG_673t1); c.806_830del, p.Leu269fs (NM_001079803.3, NM_001079804.3); short protein forms L269fs.
Identifiers: ClinVar variation 656144 (VCV000656144.12), dbSNP rs1598575231, ClinGen allele CA915952247.

ClinVar aggregate classification (germline): Likely pathogenic. Review status: reviewed by expert panel (3 of 4 stars). 2 submissions from 2 submitters: Likely pathogenic (1). 1 of the submissions does not count toward it. Last evaluated 2026-07-06.

Conditions:
Glycogen storage disease, type II (IOPD). Also called: Glycogen storage disease type 2; Acid maltase deficiency disease; Aglucosidase alfa; Deficiency of alpha-glucosidase; Deficiency of lysosomal alpha-glucosidase; CARDIOMEGALIA GLYCOGENICA DIFFUSA. Identifiers: Orphanet 365, MedGen C0017921, MONDO:0009290, OMIM 232300.

Submissions (2):

ClinGen Lysosomal Storage Disorder Variant Curation Expert Panel
Classification: Likely pathogenic for Glycogen storage disease, type II. Last evaluated: 2026-07-06. Review status: reviewed by expert panel. Criteria: clingen_lsd_acmg_specifications_v2-1. Collection method: curation. Allele origin: germline. Inheritance: Autosomal recessive inheritance.
Comment: The NM_000152.5:c.806_830del (p.Leu269ProfsTer37) variant in GAA is a frameshift variant predicted to cause a premature stop codon in exon 5 out of a total of 20 exons, leading to nonsense mediated decay in a gene in which loss-of-function is an established disease mechanism (PVS1). This variant is not in gnomAD v4.1.0. (PM2_Supporting). To our knowledge, this variant has not been reported in a patient with Pompe disease in the literature, and results of functional studies are not available. There is a ClinVar entry for this variant (Variation ID: 656144). The classification of this variant has been upgraded from Variant of Uncertain Significance to Likely Pathogenic based on the recommendations of the ClinGen Sequence Variant Interpretation Working Group, that a variant meeting PVS1 and PM2_Supporting is classified as Likely Pathogenic. In summary, this variant meets the criteria to be classified as Likely Pathogenic for Pompe disease. GAA-specific ACMG/AMP criteria met, based on the specifications of the ClinGen Lysosomal Diseases VCEP (Specifications Version 2.0): PVS1, PM2_Supporting. (Classification approved by the ClinGen Lysosomal Diseases VCEP, July 6, 2026).

Labcorp Genetics (formerly Invitae), Labcorp
Classification: Pathogenic for Glycogen storage disease, type II. Last evaluated: 2018-12-09. Review status: criteria provided, single submitter. Criteria: Invitae Variant Classification Sherloc (09022015). Collection method: clinical testing. Allele origin: germline. Not counted in ClinVar's aggregate classification.
Comment: For these reasons, this variant has been classified as Pathogenic. Loss-of-function variants in GAA are known to be pathogenic (PMID: 18425781, 22252923). This sequence change creates a premature translational stop signal (p.Leu269Profs*37) in the GAA gene. It is expected to result in an absent or disrupted protein product. This variant is not present in population databases (ExAC no frequency). This variant has not been reported in the literature in individuals with GAA-related conditions.

Literature cited by the submitters: PubMed 18425781 (cited by Labcorp Genetics (formerly Invitae), Labcorp); PubMed 22252923 (cited by Labcorp Genetics (formerly Invitae), Labcorp).